The following is an entry in ClinVar:

ClinVar aggregate classification (germline): Uncertain significance (1 of 4 stars; one submission).

Conditions:
Inborn genetic diseases. Identifiers: MedGen C0950123, MeSH D030342.

Allele frequency attached by ClinVar (database versions not stated): gnomAD exomes below 0.00001; ExAC 0.00001.
gnomAD v4.1: 1 of 1,612,864 alleles (0.000062%); highest among the groups gnomAD compares: Non-Finnish European, 0.000085%; no homozygotes.

Submission:

Ambry Genetics
Classification: Uncertain significance for Inborn genetic diseases. Last evaluated: 2022-06-13. Review status: criteria provided, single submitter. Criteria: Ambry Variant Classification Scheme 2023. Collection method: clinical testing. Allele origin: germline.
Comment: The p.H675R variant (also known as c.2024A>G), located in coding exon 12 of the EPAS1 gene, results from an A to G substitution at nucleotide position 2024. The histidine at codon 675 is replaced by arginine, an amino acid with highly similar properties. This amino acid position is conserved. In addition, this alteration is predicted to be tolerated by in silico analysis. Since supporting evidence is limited at this time, the clinical significance of this alteration remains unclear.

NM_001430.5(EPAS1):c.2024A>G (p.His675Arg)

Gene: EPAS1 (endothelial PAS domain protein 1; plus strand). Cytogenetic location: 2p21.
Variant type: single nucleotide variant.
Coding change: c.2024A>G on transcript NM_001430.5 (MANE Select); coding-DNA position 2024, A replaced by G.
Protein change: p.His675Arg; replaces histidine 675 with arginine.
Molecular consequence: missense variant.
Genome position (GRCh38, 1-based): chr2:46,380,696, A>G. VCF-style: chr2-46380696-A-G. GRCh37 (hg19) VCF-style: chr2-46607835-A-G.
Other names: short protein forms H675R.
Identifiers: ClinVar variation 1784623 (VCV001784623.2), dbSNP rs776667520, ClinGen allele CA1645176.